The following is an entry in ClinVar:

NM_000548.5(TSC2):c.5247G>A (p.Arg1749=)

Gene: TSC2 (TSC complex subunit 2; plus strand). Cytogenetic location: 16p13.3.
Variant type: single nucleotide variant.
Coding change: c.5247G>A on transcript NM_000548.5 (MANE Select); coding-DNA position 5247, G replaced by A.
Protein change: p.Arg1749=; no amino-acid change (arginine 1749 retained).
Molecular consequence: synonymous variant.
Genome position (GRCh38, 1-based): chr16:2,088,313, G>A. VCF-style: chr16-2088313-G-A. GRCh37 (hg19) VCF-style: chr16-2138314-G-A.
Other names: c.5046G>A, p.Arg1682= (NM_001077183.3); c.5178G>A, p.Arg1726= (NM_001114382.3); c.4938G>A, p.Arg1646= (NM_001318827.2); c.4902G>A, p.Arg1634= (NM_001318829.2); c.4515G>A, p.Arg1505= (NM_001318831.2); c.5079G>A, p.Arg1693= (NM_001318832.2); c.5049G>A, p.Arg1683= (NM_001363528.2); c.5115G>A, p.Arg1705= (NM_001370404.1); and 2 more.
Identifiers: ClinVar variation 1083249 (VCV001083249.12), dbSNP rs2151632398, ClinGen allele CA493043856.

ClinVar aggregate classification (germline): Benign/Likely benign. Review status: criteria provided, multiple submitters, no conflicts (2 of 4 stars). 3 submissions from 3 submitters: Benign (1); Likely benign (2). Last evaluated 2025-12-23.

Conditions:
Hereditary cancer-predisposing syndrome. Also called: Neoplastic Syndromes, Hereditary; Hereditary neoplastic syndrome; Hereditary Cancer Syndrome; Tumor predisposition. Identifiers: Orphanet 140162, MedGen C0027672, MeSH D009386, MONDO:0015356.
Tuberous sclerosis 2 (TSC2). Identifiers: Orphanet 805, MedGen C1860707, MONDO:0013199, OMIM 613254.

gnomAD v4.1: 1 of 1,612,708 alleles (0.000062%); highest among the groups gnomAD compares: Admixed American, 0.0017%; no homozygotes.

Submissions (3):

Labcorp Genetics (formerly Invitae), Labcorp
Classification: Likely benign for Tuberous sclerosis 2. Last evaluated: 2025-12-23. Review status: criteria provided, single submitter. Criteria: Invitae Variant Classification Sherloc (09022015). Collection method: clinical testing. Allele origin: germline.

Myriad Genetics, Inc.
Classification: Benign for Tuberous sclerosis 2. Last evaluated: 2025-06-06. Review status: criteria provided, single submitter. Criteria: Myriad Autosomal Dominant, Autosomal Recessive and X-Linked Classification Criteria (2023). Collection method: clinical testing. Allele origin: unknown.
Comment: This variant is considered benign. This variant is a silent/synonymous amino acid change and it is not expected to impact splicing.

Ambry Genetics
Classification: Likely benign for Hereditary cancer-predisposing syndrome. Last evaluated: 2022-08-04. Review status: criteria provided, single submitter. Criteria: Ambry Variant Classification Scheme 2023. Collection method: clinical testing. Allele origin: germline.